The following is an entry in ClinVar:

ClinVar aggregate classification (germline): Pathogenic (1 of 4 stars; one submission).

Conditions:
Familial melanoma. Also called: Hereditary melanoma; Hereditary cutaneous melanoma. Identifiers: Orphanet 618, MedGen C1512419, MONDO:0018961.

Submission:

Labcorp Genetics (formerly Invitae), Labcorp
Classification: Pathogenic for Familial melanoma. Last evaluated: 2023-08-02. Review status: criteria provided, single submitter. Criteria: Invitae Variant Classification Sherloc (09022015). Collection method: clinical testing. Allele origin: unknown.
Comment: For these reasons, this variant has been classified as Pathogenic. This variant has not been reported in the literature in individuals affected with CDKN2A (p16INK4a)-related conditions. This variant is a gross deletion of the genomic region encompassing exon 1Œ± of the CDKN2A (p16INK4a) gene. This exon includes the initiator codon of the transcript that encodes for the p16INK4a protein. The 5' end of this event is likely confined to the intronic region between exon 1Œ≤ and exon 1Œ± of the CDKN2A gene. The 3' boundary is likely confined to the intronic region between exon 1Œ± and exon 2 of the CDKN2A gene. This deletion is expected to result in an absent or disrupted p16INK4a protein, but is not expected to disrupt the coding sequence of the p14ARF protein. Loss-of-function variants in CDKN2A (p16INK4a) are known to be pathogenic (PMID: 15146471, 16905682). The CDKN2A gene encodes two different proteins, p16INK4a and p14ARF, which are translated from alternative transcripts with different open reading frames. Both transcripts have been analyzed. We report either the variant with the higher classification or default to the CDKN2A (p16INK4a) variant. This report therefore includes the details for the CDKN2A (p16INK4a) variant.

Literature cited by the submitters: PubMed 15146471; PubMed 16905682.

NC_000009.11:g.(?_21973573)_(21975027_?)del

Gene: CDKN2A (cyclin dependent kinase inhibitor 2A; minus strand). Cytogenetic location: 9p21.3.
Variant type: Deletion.
Identifiers: ClinVar variation 3245175 (VCV003245175.1).